The following is an entry in ClinVar:

NM_001250.6(CD40):c.132A>G (p.Gly44=)

Gene: CD40 (CD40 molecule; plus strand). Cytogenetic location: 20q13.12.
Variant type: single nucleotide variant.
Coding change: c.132A>G on transcript NM_001250.6 (MANE Select); coding-DNA position 132, A replaced by G.
Protein change: p.Gly44=; no amino-acid change (glycine 44 retained).
Molecular consequence: synonymous variant. On other transcripts: non-coding transcript variant (2).
Genome position (GRCh38, 1-based): chr20:46,122,234, A>G. VCF-style: chr20-46122234-A-G. GRCh37 (hg19) VCF-style: chr20-44750873-A-G.
Other names: c.132A>G, p.Gly44= (NM_001302753.2, NM_001322421.2, NM_001322422.2 and 3 more transcripts); c.132A>G (NM_001250.5).
Identifiers: ClinVar variation 3011801 (VCV003011801.4), dbSNP rs1323500867, ClinGen allele CA510653890.

ClinVar aggregate classification (germline): Likely benign. Review status: criteria provided, single submitter (1 of 4 stars). 2 submissions from 2 submitters: Likely benign (1). 1 of the submissions does not count toward it. Last evaluated 2025-07-23.

Conditions:
CD40-related disorder. Also called: CD40-related condition.

Allele frequency attached by ClinVar (database versions not stated): gnomAD 0.00001; gnomAD exomes 0.00001; TOPMed 0.00001.
gnomAD v4.1: 5 of 1,614,050 alleles (0.00031%); highest among the groups gnomAD compares: Non-Finnish European, 0.00042%; no homozygotes.

Submissions (2):

Labcorp Genetics (formerly Invitae), Labcorp
Classification: Likely benign. Last evaluated: 2025-07-23. Review status: criteria provided, single submitter. Criteria: Invitae Variant Classification Sherloc (09022015). Collection method: clinical testing. Allele origin: germline.

PreventionGenetics, part of Exact Sciences
Classification: Likely benign for CD40-related condition. Last evaluated: 2019-04-01. Review status: no assertion criteria provided. Collection method: clinical testing. Allele origin: germline. Not counted in ClinVar's aggregate classification.
Comment: This variant is classified as likely benign based on ACMG/AMP sequence variant interpretation guidelines (Richards et al. 2015 PMID: 25741868, with internal and published modifications).